The following is an entry in ClinVar:

ClinVar aggregate classification (germline): Likely pathogenic (1 of 4 stars; one submission).

Conditions:
Polycystic kidney disease. Also called: Kidney, Polycystic; Polycystic kidney dysplasia. Identifiers: MedGen C0022680, MeSH D007690, MONDO:0020642, HP:0000113.

Submission:

Clinical Genetics Laboratory, Skane University Hospital Lund
Classification: Likely pathogenic for Polycystic kidney disease. Last evaluated: 2025-01-29. Review status: criteria provided, single submitter. Criteria: ACMG Guidelines, 2015. Collection method: clinical testing. Allele origin: germline. Affected: yes.
Comment: ACMG criteria used: PVS1, PM2

NM_001009944.3(PKD1):c.11028_11035dup (p.Leu3679fs)

Genes: PKD1 (polycystin 1, transient receptor potential channel interacting; minus strand), PKD1-AS1 (PKD1 antisense RNA 1; plus strand). Cytogenetic location: 16p13.3.
Variant type: Duplication.
Coding change: c.11028_11035dup on transcript NM_001009944.3 (MANE Select); coding-DNA positions 11028 to 11035, 8 bases duplicated (GTACATGC; older notation c.11028_11035dupGTACATGC).
Protein change: p.Leu3679fs; shifts the reading frame from leucine 3679.
Molecular consequence: frameshift variant.
Genome position (GRCh38, 1-based): chr16:2,093,075-2,093,082, GCATGTAC duplicated on the plus strand (GTACATGC on the coding strand, the reverse complement: PKD1 is on the minus strand). VCF-style (leftmost placement, unchanged base first): chr16-2093074-A-AGCATGTAC. GRCh37 (hg19) VCF-style: chr16-2143075-A-AGCATGTAC.
Other names: c.11025_11032dup, p.Leu3678fs (NM_000296.4); c.11035_11036insGTACATGC (NM_001009944.3); short protein forms L3678fs, L3679fs.
Identifiers: ClinVar variation 3772681 (VCV003772681.1).